The following is an entry in ClinVar:

ClinVar aggregate classification (germline): Uncertain significance (1 of 4 stars; one submission).

Conditions:
Nephronophthisis. Also called: Juvenile Nephronophthisis. Identifiers: Orphanet 655, MedGen C0687120, MONDO:0019005, HP:0000090.

Allele frequency attached by ClinVar (database versions not stated): ExAC 0.00001; gnomAD exomes 0.00001; TOPMed 0.00002.

Submission:

Labcorp Genetics (formerly Invitae), Labcorp
Classification: Uncertain significance for Nephronophthisis. Last evaluated: 2023-07-10. Review status: criteria provided, single submitter. Criteria: Invitae Variant Classification Sherloc (09022015). Collection method: clinical testing. Allele origin: germline.
Comment: This sequence change replaces proline, which is neutral and non-polar, with leucine, which is neutral and non-polar, at codon 473 of the IQCB1 protein (p.Pro473Leu). This variant is present in population databases (rs774941190, gnomAD 0.007%). This variant has not been reported in the literature in individuals affected with IQCB1-related conditions. ClinVar contains an entry for this variant (Variation ID: 2099561). Advanced modeling of protein sequence and biophysical properties (such as structural, functional, and spatial information, amino acid conservation, physicochemical variation, residue mobility, and thermodynamic stability) performed at Invitae indicates that this missense variant is not expected to disrupt IQCB1 protein function. In summary, the available evidence is currently insufficient to determine the role of this variant in disease. Therefore, it has been classified as a Variant of Uncertain Significance.

NM_001023570.4(IQCB1):c.1418C>T (p.Pro473Leu)

Gene: IQCB1 (IQ motif containing B1; minus strand). Cytogenetic location: 3q13.33.
Variant type: single nucleotide variant.
Coding change: c.1418C>T on transcript NM_001023570.4 (MANE Select); coding-DNA position 1418, C replaced by T.
Protein change: p.Pro473Leu; replaces proline 473 with leucine.
Molecular consequence: missense variant. On other transcripts: non-coding transcript variant (1).
Genome position (GRCh38, 1-based): chr3:121,772,706, G>A on the plus strand (C>T on the coding strand, the complement: IQCB1 is on the minus strand). VCF-style: chr3-121772706-G-A. GRCh37 (hg19) VCF-style: chr3-121491553-G-A.
Other names: c.1019C>T, p.Pro340Leu (NM_001023571.4); c.1418C>T, p.Pro473Leu (NM_001319107.2); short protein forms P340L, P473L.
Identifiers: ClinVar variation 2099561 (VCV002099561.4), dbSNP rs774941190, ClinGen allele CA2567095.